The following is an entry in ClinVar:

ClinVar aggregate classification (germline): Uncertain significance (1 of 4 stars; one submission).

Allele frequency attached by ClinVar (database versions not stated): gnomAD exomes below 0.00001.
gnomAD v4.1: 1 of 1,612,768 alleles (0.000062%); highest among the groups gnomAD compares: Non-Finnish European, 0.000085%; no homozygotes.

Submission:

Labcorp Genetics (formerly Invitae), Labcorp
Classification: Uncertain significance. Last evaluated: 2024-10-18. Review status: criteria provided, single submitter. Criteria: Invitae Variant Classification Sherloc (09022015). Collection method: clinical testing. Allele origin: germline.
Comment: This sequence change replaces threonine, which is neutral and polar, with alanine, which is neutral and non-polar, at codon 33 of the TSFM protein (p.Thr33Ala). This variant is not present in population databases (gnomAD no frequency). This variant has not been reported in the literature in individuals affected with TSFM-related conditions. ClinVar contains an entry for this variant (Variation ID: 1424737). An algorithm developed to predict the effect of missense changes on protein structure and function outputs the following: PolyPhen-2: "Benign". The alanine amino acid residue is found in multiple mammalian species, which suggests that this missense change does not adversely affect protein function. In summary, the available evidence is currently insufficient to determine the role of this variant in disease. Therefore, it has been classified as a Variant of Uncertain Significance.

NM_005726.6(TSFM):c.97A>G (p.Thr33Ala)

Gene: TSFM (Ts translation elongation factor, mitochondrial; plus strand). Cytogenetic location: 12q14.1.
Variant type: single nucleotide variant.
Coding change: c.97A>G on transcript NM_005726.6 (MANE Select); coding-DNA position 97, A replaced by G.
Protein change: p.Thr33Ala; replaces threonine 33 with alanine.
Molecular consequence: missense variant.
Genome position (GRCh38, 1-based): chr12:57,783,149, A>G. VCF-style: chr12-57783149-A-G. GRCh37 (hg19) VCF-style: chr12-58176932-A-G.
Other names: c.97A>G, p.Thr33Ala (NM_001172695.2, NM_001172696.2, NM_001172697.2); short protein forms T33A.
Identifiers: ClinVar variation 1424737 (VCV001424737.7), dbSNP rs1201107563, ClinGen allele CA385523387.